The following is an entry in ClinVar:

ClinVar aggregate classification (germline): Uncertain significance. Review status: criteria provided, multiple submitters, no conflicts (2 of 4 stars). 4 submissions from 4 submitters: Uncertain significance (4). Last evaluated 2026-01-14.

Conditions:
RAF1-related disorder. Also called: RAF1-related condition; RAF1-related disorders.
Cardiovascular phenotype. Identifiers: MedGen CN230736.
RASopathy. Also called: rasopathies; Noonan spectrum disorder. Identifiers: Orphanet 536391, MedGen C5555857, MONDO:0021060.
Primary familial hypertrophic cardiomyopathy (HCM). Identifiers: Orphanet 99739, MedGen C0949658, MeSH D024741, MONDO:0024573. Inheritance: Various modes of inheritance.

Allele frequency attached by ClinVar (database versions not stated): ExAC 0.00001; gnomAD 0.00001; gnomAD exomes 0.00001 and 0.00003; TOPMed 0.00001.
gnomAD v4.1: 48 of 1,613,940 alleles (0.003%); highest among the groups gnomAD compares: Non-Finnish European, 0.004%; no homozygotes.

Submissions (4):

Labcorp Genetics (formerly Invitae), Labcorp
Classification: Uncertain significance for RASopathy. Last evaluated: 2026-01-14. Review status: criteria provided, single submitter. Criteria: Invitae Variant Classification Sherloc (09022015). Collection method: clinical testing. Allele origin: germline.
Comment: This sequence change replaces asparagine, which is neutral and polar, with histidine, which is basic and polar, at codon 553 of the RAF1 protein (p.Asn553His). The frequency data for this variant in the population databases is considered unreliable, as metrics indicate poor data quality at this position in the gnomAD database. This missense change has been observed in individual(s) with hypertrophic cardiomyopathy (PMID: 28750076). ClinVar contains an entry for this variant (Variation ID: 40623). Invitae Evidence Modeling of protein sequence and biophysical properties (such as structural, functional, and spatial information, amino acid conservation, physicochemical variation, residue mobility, and thermodynamic stability) indicates that this missense variant is expected to disrupt RAF1 protein function with a positive predictive value of 95%. In summary, the available evidence is currently insufficient to determine the role of this variant in disease. Therefore, it has been classified as a Variant of Uncertain Significance.

PreventionGenetics, part of Exact Sciences
Classification: Uncertain significance for RAF1-related condition. Last evaluated: 2025-12-27. Review status: criteria provided, single submitter. Criteria: ACMG Guidelines, 2015. Collection method: clinical testing. Allele origin: germline.
Comment: The RAF1 c.1657A>C variant is predicted to result in the amino acid substitution p.Asn553His. This variant has been reported in an individual with hypertrophic cardiomyopathy (Forleo et al. 2017. PubMed ID: 28750076). This variant has also been reported as a variant of uncertain significance in a cohort of individuals referred for genetic testing of cardiomyopathy and/or arrhythmia; however, detailed clinical information was not available (Supplement 2, Dellefave-Castillo et al. 2022. PubMed ID: 35947370). This variant is reported in 0.0018% of alleles in individuals of European (Non-Finnish) descent in gnomAD. At this time, the clinical significance of this variant is uncertain due to the absence of conclusive functional and genetic evidence.

Ambry Genetics
Classification: Uncertain significance for Cardiovascular phenotype. Last evaluated: 2025-11-15. Review status: criteria provided, single submitter. Criteria: Ambry Variant Classification Scheme 2023. Collection method: clinical testing. Allele origin: germline.
Comment: The p.N553H variant (also known as c.1657A>C), located in coding exon 14 of the RAF1 gene, results from an A to C substitution at nucleotide position 1657. The asparagine at codon 553 is replaced by histidine, an amino acid with similar properties. This variant was detected in an individual with hypertrophic cardiomyopathy (HCM), who had additional cardiac variants also reported (Forleo C et al. PLoS One, 2017 Jul;12:e0181842). This amino acid position is highly conserved in available vertebrate species. In addition, the in silico prediction for this alteration is inconclusive. Since supporting evidence is limited at this time, the clinical significance of this alteration remains unclear.

Molecular Diagnostic Laboratory for Inherited Cardiovascular Disease, Montreal Heart Institute
Classification: Uncertain significance for Primary familial hypertrophic cardiomyopathy. Review status: criteria provided, single submitter. Criteria: ACMG Guidelines, 2015. Collection method: clinical testing. Allele origin: germline. Affected: yes.

Literature cited by the submitters: PubMed 28750076 (cited by Labcorp Genetics (formerly Invitae), Labcorp and Ambry Genetics).

NM_002880.4(RAF1):c.1657A>C (p.Asn553His)

Gene: RAF1 (Raf-1 proto-oncogene, serine/threonine kinase; minus strand). Cytogenetic location: 3p25.2.
Variant type: single nucleotide variant.
Coding change: c.1657A>C on transcript NM_002880.4 (MANE Select); coding-DNA position 1657, A replaced by C.
Protein change: p.Asn553His; replaces asparagine 553 with histidine.
Molecular consequence: missense variant. On other transcripts: non-coding transcript variant (3).
Genome position (GRCh38, 1-based): chr3:12,585,133, T>G on the plus strand (A>C on the coding strand, the complement: RAF1 is on the minus strand). VCF-style: chr3-12585133-T-G. GRCh37 (hg19) VCF-style: chr3-12626632-T-G.
Other names: c.1717A>C, p.Asn573His (NM_001354689.3); c.1657A>C, p.Asn553His (NM_001354690.3); c.1414A>C, p.Asn472His (NM_001354691.3, NM_001354692.3); c.1558A>C, p.Asn520His (NM_001354693.3); c.1474A>C, p.Asn492His (NM_001354694.3); c.1315A>C, p.Asn439His (NM_001354695.3); short protein forms N553H, N472H, N439H, N492H, N520H, N573H.
Identifiers: ClinVar variation 40623 (VCV000040623.17), dbSNP rs745876012, ClinGen allele CA2259456.